The following is an entry in ClinVar:

ClinVar aggregate classification (germline): Uncertain significance (1 of 4 stars; one submission).

Conditions:
Inborn genetic diseases. Identifiers: MedGen C0950123, MeSH D030342.

Allele frequency attached by ClinVar (database versions not stated): gnomAD exomes below 0.00001; TOPMed below 0.00001.
gnomAD v4.1: 4 of 1,613,790 alleles (0.00025%); highest among the groups gnomAD compares: East Asian, 0.0022%; no homozygotes.

Submission:

Ambry Genetics
Classification: Uncertain significance for Inborn genetic diseases. Last evaluated: 2020-09-30. Review status: criteria provided, single submitter. Criteria: Ambry Variant Classification Scheme 2023. Collection method: clinical testing. Allele origin: germline.
Comment: The c.295A>G (p.N99D) alteration is located in exon 3 (coding exon 3) of the SCARB2 gene. This alteration results from a A to G substitution at nucleotide position 295, causing the asparagine (N) at amino acid position 99 to be replaced by an aspartic acid (D). Based on data from the Genome Aggregation Database (gnomAD), the SCARB2 c.295A>G alteration was not observed, with coverage at this position. This amino acid position is poorly conserved in available vertebrate species. The p.N99D alteration is predicted to be tolerated by in silico analysis. Based on insufficient or conflicting evidence, the clinical significance of this alteration remains unclear.

NM_005506.4(SCARB2):c.295A>G (p.Asn99Asp)

Gene: SCARB2 (scavenger receptor class B member 2; minus strand). Cytogenetic location: 4q21.1.
Variant type: single nucleotide variant.
Coding change: c.295A>G on transcript NM_005506.4 (MANE Select); coding-DNA position 295, A replaced by G.
Protein change: p.Asn99Asp; replaces asparagine 99 with aspartic acid.
Molecular consequence: missense variant. On other transcripts: intron variant (1).
Genome position (GRCh38, 1-based): chr4:76,181,082, T>C on the plus strand (A>G on the coding strand, the complement: SCARB2 is on the minus strand). VCF-style: chr4-76181082-T-C. GRCh37 (hg19) VCF-style: chr4-77102235-T-C.
Other names: c.276-5172A>G (NM_001204255.2); short protein forms N99D.
Identifiers: ClinVar variation 2227733 (VCV002227733.2), dbSNP rs1732374215, ClinGen allele CA357327361.